The following is an entry in ClinVar:

NM_018180.3(DHX32):c.1241C>T (p.Thr414Met)

Genes: BCCIP (BRCA2 and CDKN1A interacting protein; plus strand), DHX32 (DEAH-box helicase 32 (putative); minus strand). Cytogenetic location: 10q26.2.
Variant type: single nucleotide variant.
Coding change: c.1241C>T on transcript NM_018180.3 (MANE Select); coding-DNA position 1241, C replaced by T.
Protein change: p.Thr414Met; replaces threonine 414 with methionine.
Molecular consequence: missense variant. On other transcripts: intron variant (1).
Genome position (GRCh38, 1-based): chr10:125,852,403, G>A on the plus strand (C>T on the coding strand, the complement: DHX32 is on the minus strand). VCF-style: chr10-125852403-G-A. GRCh37 (hg19) VCF-style: chr10-127540972-G-A.
Other names: c.851-722G>A (NM_016567.4); short protein forms T414M.
Identifiers: ClinVar variation 3708563 (VCV003708563.2).

ClinVar aggregate classification (germline): Uncertain significance (1 of 4 stars; one submission).

gnomAD v4.1: 29 of 1,614,044 alleles (0.0018%); highest among the groups gnomAD compares: Middle Eastern, 0.016%; no homozygotes.

Submission:

Labcorp Genetics (formerly Invitae), Labcorp
Classification: Uncertain significance. Last evaluated: 2026-01-17. Review status: criteria provided, single submitter. Criteria: Invitae Variant Classification Sherloc (09022015). Collection method: clinical testing. Allele origin: germline.
Comment: This sequence change replaces threonine, which is neutral and polar, with methionine, which is neutral and non-polar, at codon 414 of the DHX32 protein (p.Thr414Met). This variant is present in population databases (rs751334306, gnomAD 0.006%). This variant has not been reported in the literature in individuals affected with DHX32-related conditions. ClinVar contains an entry for this variant (Variation ID: 3708563). An algorithm developed to predict the effect of missense changes on protein structure and function (PolyPhen-2) suggests that this variant is likely to be tolerated. In summary, the available evidence is currently insufficient to determine the role of this variant in disease. Therefore, it has been classified as a Variant of Uncertain Significance.